The following is an entry in ClinVar:

NM_000548.5(TSC2):c.1208C>G (p.Ser403Cys)

Gene: TSC2 (TSC complex subunit 2; plus strand). Cytogenetic location: 16p13.3.
Variant type: single nucleotide variant.
Coding change: c.1208C>G on transcript NM_000548.5 (MANE Select); coding-DNA position 1208, C replaced by G.
Protein change: p.Ser403Cys; replaces serine 403 with cysteine.
Molecular consequence: missense variant.
Genome position (GRCh38, 1-based): chr16:2,061,959, C>G. VCF-style: chr16-2061959-C-G. GRCh37 (hg19) VCF-style: chr16-2111960-C-G.
Other names: c.1208C>G (NM_000548.3); c.1208C>G, p.Ser403Cys (NM_001077183.3, NM_001114382.3, NM_001363528.2 and 3 more transcripts); c.1097C>G, p.Ser366Cys (NM_001318827.2); c.1061C>G, p.Ser354Cys (NM_001318829.2); c.608C>G, p.Ser203Cys (NM_001318831.2); c.1241C>G, p.Ser414Cys (NM_001318832.2); short protein forms S203C, S403C, S414C, S354C, S366C.
Identifiers: ClinVar variation 1450285 (VCV001450285.7), dbSNP rs1555501098, ClinGen allele CA394320913.

ClinVar aggregate classification (germline): Uncertain significance. Review status: criteria provided, multiple submitters, no conflicts (2 of 4 stars). 2 submissions from 2 submitters: Uncertain significance (2). Last evaluated 2024-07-11.

Conditions:
Hereditary cancer-predisposing syndrome. Also called: Tumor predisposition; Hereditary neoplastic syndrome; Hereditary Cancer Syndrome; Neoplastic Syndromes, Hereditary. Identifiers: Orphanet 140162, MedGen C0027672, MeSH D009386, MONDO:0015356.
Tuberous sclerosis 2 (TSC2). Identifiers: Orphanet 805, MedGen C1860707, MONDO:0013199, OMIM 613254.

Submissions (2):

Ambry Genetics
Classification: Uncertain significance for Hereditary cancer-predisposing syndrome. Last evaluated: 2024-07-11. Review status: criteria provided, single submitter. Criteria: Ambry Variant Classification Scheme 2023. Collection method: clinical testing. Allele origin: germline.
Comment: The p.S403C variant (also known as c.1208C>G), located in coding exon 11 of the TSC2 gene, results from a C to G substitution at nucleotide position 1208. The serine at codon 403 is replaced by cysteine, an amino acid with dissimilar properties. This amino acid position is conserved. In addition, the in silico prediction for this alteration is inconclusive. Based on the available evidence, the clinical significance of this variant remains unclear.

Labcorp Genetics (formerly Invitae), Labcorp
Classification: Uncertain significance for Tuberous sclerosis 2. Last evaluated: 2021-10-07. Review status: criteria provided, single submitter. Criteria: Invitae Variant Classification Sherloc (09022015). Collection method: clinical testing. Allele origin: germline.
Comment: In summary, the available evidence is currently insufficient to determine the role of this variant in disease. Therefore, it has been classified as a Variant of Uncertain Significance. Advanced modeling of protein sequence and biophysical properties (such as structural, functional, and spatial information, amino acid conservation, physicochemical variation, residue mobility, and thermodynamic stability) performed at Invitae indicates that this missense variant is not expected to disrupt TSC2 protein function. This variant has not been reported in the literature in individuals affected with TSC2-related conditions. This variant is not present in population databases (ExAC no frequency). This sequence change replaces serine with cysteine at codon 403 of the TSC2 protein (p.Ser403Cys). The serine residue is highly conserved and there is a moderate physicochemical difference between serine and cysteine.